The following is an entry in ClinVar:

ClinVar aggregate classification (germline): Conflicting classifications of pathogenicity. Review status: criteria provided, conflicting classifications (1 of 4 stars). 7 submissions from 7 submitters: Uncertain significance (1); Likely benign (3). 3 of the submissions do not count toward it. Last evaluated 2025-11-10.

Conditions:
Hereditary spastic paraplegia. Also called: Familial spastic paraparesis. Identifiers: Orphanet 685, MedGen C0037773, MONDO:0019064. Disease mechanism: loss of function.
Infantile-onset ascending hereditary spastic paralysis (IAHSP). Also called: Infantile-Onset Ascending Hereditary Spastic Paralysis (IAHSP); Autosomal Recessive Juvenile Amyotrophic Lateral Sclerosis. Identifiers: Orphanet 293168, MedGen C2931441, MONDO:0011797, OMIM 607225. Disease mechanism: loss of function.

Allele frequency attached by ClinVar (database versions not stated): TOPMed 0.00022; gnomAD 0.00026; gnomAD exomes 0.00026 and 0.00029; ExAC 0.00031; ESP Exome Variant Server 0.00033.
gnomAD v4.1: 463 of 1,614,166 alleles (0.029%); highest among the groups gnomAD compares: Non-Finnish European, 0.036%; 1 homozygote.

Submissions (7):

Labcorp Genetics (formerly Invitae), Labcorp
Classification: Likely benign for Infantile-onset ascending hereditary spastic paralysis. Last evaluated: 2025-11-10. Review status: criteria provided, single submitter. Criteria: Invitae Variant Classification Sherloc (09022015). Collection method: clinical testing. Allele origin: germline.

CeGaT Center for Human Genetics Tuebingen
Classification: Likely benign. Last evaluated: 2025-11-01. Review status: criteria provided, single submitter. Criteria: CeGaT Center For Human Genetics Tuebingen Variant Classification Criteria Version 2. Collection method: clinical testing. Allele origin: germline. Affected: yes. Observed: 4 variant alleles.
Comment: ALS2: BP4

Blueprint Genetics
Classification: Likely benign. Last evaluated: 2023-03-28. Review status: criteria provided, single submitter. Criteria: ACMG Guidelines, 2015. Collection method: clinical testing. Allele origin: germline.

Genome Diagnostics Laboratory, The Hospital for Sick Children
Classification: Uncertain significance for Hereditary spastic paraplegia. Last evaluated: 2017-12-01. Review status: criteria provided, single submitter. Criteria: ACMG Guidelines, 2015. Collection method: clinical testing. Allele origin: germline. Affected: yes.

Clinical Genetics DNA and cytogenetics Diagnostics Lab, Erasmus MC, Erasmus Medical Center
Classification: Likely benign. Review status: no assertion criteria provided. Collection method: clinical testing. Allele origin: germline. Affected: yes. Study: VKGL Data-share Consensus. Not counted in ClinVar's aggregate classification.

Genome Diagnostics Laboratory, Amsterdam University Medical Center
Classification: Likely benign. Review status: no assertion criteria provided. Collection method: clinical testing. Allele origin: germline. Affected: yes. Study: VKGL Data-share Consensus. Not counted in ClinVar's aggregate classification.

Genome Diagnostics Laboratory, University Medical Center Utrecht
Classification: Likely benign. Review status: no assertion criteria provided. Collection method: clinical testing. Allele origin: germline. Affected: yes. Study: VKGL Data-share Consensus. Not counted in ClinVar's aggregate classification.

NM_020919.4(ALS2):c.1677A>G (p.Lys559=)

Gene: ALS2 (alsin Rho guanine nucleotide exchange factor ALS2; minus strand). Cytogenetic location: 2q33.1.
Variant type: single nucleotide variant.
Coding change: c.1677A>G on transcript NM_020919.4 (MANE Select); coding-DNA position 1677, A replaced by G.
Protein change: p.Lys559=; no amino-acid change (lysine 559 retained).
Molecular consequence: synonymous variant.
Genome position (GRCh38, 1-based): chr2:201,753,206, T>C on the plus strand (A>G on the coding strand, the complement: ALS2 is on the minus strand). VCF-style: chr2-201753206-T-C. GRCh37 (hg19) VCF-style: chr2-202617929-T-C.
Identifiers: ClinVar variation 333597 (VCV000333597.50), dbSNP rs367640165, ClinGen allele CA2058388.